The following is an entry in ClinVar:

ClinVar aggregate classification (germline): Uncertain significance (1 of 4 stars; one submission).

Conditions:
Joubert syndrome. Also called: CEREBELLOPARENCHYMAL DISORDER IV; JOUBERT-BOLTSHAUSER SYNDROME; Familial aplasia of the vermis. Identifiers: Orphanet 475, MedGen C5979921, MONDO:0018772.

Submission:

Labcorp Genetics (formerly Invitae), Labcorp
Classification: Uncertain significance for Joubert syndrome. Last evaluated: 2021-08-23. Review status: criteria provided, single submitter. Criteria: Invitae Variant Classification Sherloc (09022015). Collection method: clinical testing. Allele origin: germline.
Comment: This sequence change falls in intron 8 of the INPP5E gene. It does not directly change the encoded amino acid sequence of the INPP5E protein. It affects a nucleotide within the consensus splice site of the intron. This variant is not present in population databases (ExAC no frequency). This variant has not been reported in the literature in individuals affected with INPP5E-related conditions. Variants that disrupt the consensus splice site are a relatively common cause of aberrant splicing (PMID: 17576681, 9536098). Algorithms developed to predict the effect of sequence changes on RNA splicing suggest that this variant is not likely to affect RNA splicing. In summary, the available evidence is currently insufficient to determine the role of this variant in disease. Therefore, it has been classified as a Variant of Uncertain Significance.

Literature cited by the submitters: PubMed 17576681; PubMed 9536098.

NM_019892.6(INPP5E):c.1665+3G>A

Gene: INPP5E (inositol polyphosphate-5-phosphatase E; minus strand). Cytogenetic location: 9q34.3.
Variant type: single nucleotide variant.
Coding change: c.1665+3G>A on transcript NM_019892.6 (MANE Select); 3 bases into the intron after coding-DNA position 1665, G replaced by A.
Molecular consequence: intron variant.
Genome position (GRCh38, 1-based): chr9:136,430,999, C>T on the plus strand (G>A on the coding strand, the complement: INPP5E is on the minus strand). VCF-style: chr9-136430999-C-T. GRCh37 (hg19) VCF-style: chr9-139325451-C-T.
Other names: c.1662+3G>A (NM_001318502.2).
Identifiers: ClinVar variation 1480556 (VCV001480556.6), dbSNP rs2131605615, ClinGen allele CA2573144375.